The following is an entry in ClinVar:

NM_007294.4(BRCA1):c.2635del (p.Glu879fs)

Gene: BRCA1 (BRCA1 DNA repair associated; minus strand). Cytogenetic location: 17q21.31.
Variant type: Deletion.
Coding change: c.2635del on transcript NM_007294.4 (MANE Select); coding-DNA position 2635, one base deleted (G; older notation c.2635delG).
Protein change: p.Glu879fs; shifts the reading frame from glutamic acid 879.
Molecular consequence: frameshift variant. On other transcripts: intron variant (137).
Genome position (GRCh38, 1-based): chr17:43,092,896, C deleted on the plus strand (G on the coding strand, the reverse complement: BRCA1 is on the minus strand). VCF-style (leftmost placement, unchanged base first): chr17-43092895-TC-T. GRCh37 (hg19) VCF-style: chr17-41244912-TC-T.
Other names: c.2425del, p.Glu809fs (NM_001407900.1, NM_001407902.1, NM_001407904.1 and 13 more transcripts); c.2422del, p.Glu808fs (NM_001407915.1, NM_001407916.1, NM_001407917.1 and 9 more transcripts); c.2512del, p.Glu838fs (NM_001407919.1, NM_001407648.1, NM_001407664.1 and 19 more transcripts); c.2371del, p.Glu791fs (NM_001407923.1, NM_001407924.1, NM_001407925.1 and 9 more transcripts); c.2635del, p.Glu879fs (NM_001407581.1, NM_001407582.1, NM_001407583.1 and 30 more transcripts); c.2632del, p.Glu878fs (NM_001407587.1, NM_001407590.1, NM_001407591.1 and 22 more transcripts); c.2626del, p.Glu876fs (NM_001407646.1, NM_001407647.1); c.2509del, p.Glu837fs (NM_001407649.1, NM_001407670.1, NM_001407671.1 and 11 more transcripts); and 41 more; short protein forms E832fs, E879fs, E808fs, E809fs, E837fs, E853fs, E752fs, E790fs.
Identifiers: ClinVar variation 1074407 (VCV001074407.8), dbSNP rs2154367532, ClinGen allele CA2499224500.

ClinVar aggregate classification (germline): Pathogenic (1 of 4 stars; one submission).

Conditions:
Hereditary breast ovarian cancer syndrome. Also called: Hereditary breast and ovarian cancer; Breast and ovarian cancer; BRCA1- and BRCA2-Associated Hereditary Breast and Ovarian Cancer; Hereditary breast and/or ovarian cancer syndrome; Hereditary breast and ovarian cancer syndrome; Hereditary breast and ovarian cancer syndrome (HBOC). Identifiers: Orphanet 145, MedGen C0677776, MeSH D061325, MONDO:0003582. Disease mechanism: loss of function.

Submission:

Labcorp Genetics (formerly Invitae), Labcorp
Classification: Pathogenic for Hereditary breast ovarian cancer syndrome. Last evaluated: 2020-10-19. Review status: criteria provided, single submitter. Criteria: Invitae Variant Classification Sherloc (09022015). Collection method: clinical testing. Allele origin: germline.
Comment: For these reasons, this variant has been classified as Pathogenic. This variant has not been reported in the literature in individuals with BRCA1-related conditions. This variant is not present in population databases (ExAC no frequency). This sequence change creates a premature translational stop signal (p.Glu879Lysfs*14) in the BRCA1 gene. It is expected to result in an absent or disrupted protein product. Loss-of-function variants in BRCA1 are known to be pathogenic (PMID: 20104584).

Literature cited by the submitters: PubMed 20104584.